The following is an entry in ClinVar:

ClinVar aggregate classification (germline): Uncertain significance. Review status: criteria provided, multiple submitters, no conflicts (2 of 4 stars). 2 submissions from 2 submitters: Uncertain significance (2). Last evaluated 2022-02-10.

Conditions:
Long QT syndrome 11 (LQT11). Identifiers: Orphanet 101016, Orphanet 768, MedGen C2678483, MONDO:0012738, OMIM 611820.
Long QT syndrome (LQTS). Identifiers: MedGen C0023976, MeSH D008133, MONDO:0002442. Disease mechanism: loss of function. Inheritance: Various modes of inheritance.

Allele frequency attached by ClinVar (database versions not stated): gnomAD exomes below 0.00001; ExAC 0.00001.
gnomAD v4.1: 2 of 1,611,274 alleles (0.00012%); highest among the groups gnomAD compares: Non-Finnish European, 0.000085%; no homozygotes.

Submissions (2):

Fulgent Genetics
Classification: Uncertain significance for Long QT syndrome 11. Last evaluated: 2022-02-10. Review status: criteria provided, single submitter. Criteria: ACMG Guidelines, 2015. Collection method: clinical testing. Allele origin: unknown.

Labcorp Genetics (formerly Invitae), Labcorp
Classification: Uncertain significance for Long QT syndrome. Last evaluated: 2021-11-04. Review status: criteria provided, single submitter. Criteria: Invitae Variant Classification Sherloc (09022015). Collection method: clinical testing. Allele origin: germline.
Comment: This sequence change replaces serine, which is neutral and polar, with threonine, which is neutral and polar, at codon 1450 of the AKAP9 protein (p.Ser1450Thr). This variant is present in population databases (rs767289847, gnomAD 0.0009%). This variant has not been reported in the literature in individuals affected with AKAP9-related conditions. Algorithms developed to predict the effect of missense changes on protein structure and function are either unavailable or do not agree on the potential impact of this missense change (SIFT: "Tolerated"; PolyPhen-2: "Probably Damaging"; Align-GVGD: "Class C0"). In summary, the available evidence is currently insufficient to determine the role of this variant in disease. Therefore, it has been classified as a Variant of Uncertain Significance.

NM_005751.5(AKAP9):c.4348T>A (p.Ser1450Thr)

Gene: AKAP9 (A-kinase anchoring protein 9; plus strand). Cytogenetic location: 7q21.2.
Variant type: single nucleotide variant.
Coding change: c.4348T>A on transcript NM_005751.5 (MANE Select); coding-DNA position 4348, T replaced by A.
Protein change: p.Ser1450Thr; replaces serine 1450 with threonine.
Molecular consequence: missense variant.
Genome position (GRCh38, 1-based): chr7:92,038,428, T>A. VCF-style: chr7-92038428-T-A. GRCh37 (hg19) VCF-style: chr7-91667742-T-A.
Other names: c.4348T>A, p.Ser1450Thr (NM_147185.3); short protein forms S1450T.
Identifiers: ClinVar variation 1463820 (VCV001463820.7), dbSNP rs767289847, ClinGen allele CA4336566.